The following is an entry in ClinVar:

ClinVar aggregate classification (germline): Pathogenic (1 of 4 stars; one submission).

Conditions:
Leber congenital amaurosis 2 (LCA2). Also called: Autosomal Recessive RPE65-Related Retinal Degeneration; AMAUROSIS CONGENITA OF LEBER II. Identifiers: Orphanet 65, MedGen C1859844, MONDO:0008765, OMIM 204100. Disease mechanism: loss of function.
Retinitis pigmentosa 20 (RP20). Identifiers: Orphanet 791, MedGen C3151086, MONDO:0013425, OMIM 613794.

Submission:

Labcorp Genetics (formerly Invitae), Labcorp
Classification: Pathogenic for Leber congenital amaurosis 2; Retinitis pigmentosa 20. Last evaluated: 2023-03-04. Review status: criteria provided, single submitter. Criteria: Invitae Variant Classification Sherloc (09022015). Collection method: clinical testing. Allele origin: germline.
Comment: This variant is not present in population databases (gnomAD no frequency). This sequence change creates a premature translational stop signal (p.Ile250Metfs*75) in the RPE65 gene. It is expected to result in an absent or disrupted protein product. Loss-of-function variants in RPE65 are known to be pathogenic (PMID: 9326941, 9501220, 9843205, 18632300). This variant has not been reported in the literature in individuals affected with RPE65-related conditions. For these reasons, this variant has been classified as Pathogenic.

Literature cited by the submitters: PubMed 9326941; PubMed 9501220; PubMed 9843205; PubMed 18632300.

NM_000329.3(RPE65):c.750del (p.Ile250fs)

Gene: RPE65 (retinoid isomerohydrolase RPE65; minus strand). Cytogenetic location: 1p31.3.
Variant type: Deletion.
Coding change: c.750del on transcript NM_000329.3 (MANE Select); coding-DNA position 750, one base deleted (C; older notation c.750delC).
Protein change: p.Ile250fs; shifts the reading frame from isoleucine 250.
Molecular consequence: frameshift variant.
Genome position (GRCh38, 1-based): chr1:68,439,299, G deleted on the plus strand (C on the coding strand, the reverse complement: RPE65 is on the minus strand). VCF-style (leftmost placement, unchanged base first): chr1-68439298-CG-C. GRCh37 (hg19) VCF-style: chr1-68904981-CG-C.
Other names: c.642del, p.Ile214fs (NM_001406853.1); c.474del, p.Ile158fs (NM_001406856.1, NM_001406857.1); c.750del, p.Ile250fs (NM_001406859.1); short protein forms I250fs, I214fs, I158fs.
Identifiers: ClinVar variation 2944992 (VCV002944992.3), dbSNP rs2523426757, ClinGen allele CA2740090771.
Genomic context (GRCh38, chr1:68,439,298, plus strand): 5'-AAAGACTCCATGAAGAAAGGAACTTGAACAGGTTAATTTTGACTGGTGTCTCCACAAAAA[CG>C]ATATAGTTGGGAGTCAGACCAAAACTGTTCAGAAACACAAATGGGCTTGTGAATGAAAGG-3'